The following is an entry in ClinVar:

NM_012330.4(KAT6B):c.2668C>T (p.Pro890Ser)

Gene: KAT6B (lysine acetyltransferase 6B; plus strand). Cytogenetic location: 10q22.2.
Variant type: single nucleotide variant.
Coding change: c.2668C>T on transcript NM_012330.4 (MANE Select); coding-DNA position 2668, C replaced by T.
Protein change: p.Pro890Ser; replaces proline 890 with serine.
Molecular consequence: missense variant.
Genome position (GRCh38, 1-based): chr10:75,020,620, C>T. VCF-style: chr10-75020620-C-T. GRCh37 (hg19) VCF-style: chr10-76780378-C-T.
Other names: c.2119C>T, p.Pro707Ser (NM_001256468.2, NM_001370138.1); c.1792C>T, p.Pro598Ser (NM_001256469.2, NM_001370139.1, NM_001370140.1 and 2 more transcripts); c.1630C>T, p.Pro544Ser (NM_001370132.1); c.979C>T, p.Pro327Ser (NM_001370133.1); c.583C>T, p.Pro195Ser (NM_001370134.1); c.325C>T, p.Pro109Ser (NM_001370135.1); c.2668C>T, p.Pro890Ser (NM_001370136.1, NM_001370137.1); c.1603C>T, p.Pro535Ser (NM_001370143.1, NM_001370144.1); short protein forms P109S, P195S, P327S, P535S, P544S, P598S, P707S, P890S.
Identifiers: ClinVar variation 3362130 (VCV003362130.1).

ClinVar aggregate classification (germline): Uncertain significance (1 of 4 stars; one submission).

gnomAD v4.1: 1 of 1,614,262 alleles (0.000062%); highest among the groups gnomAD compares: Non-Finnish European, 0.000085%; no homozygotes.

Submission:

GeneDx
Classification: Uncertain significance. Last evaluated: 2023-05-31. Review status: criteria provided, single submitter. Criteria: GeneDx Variant Classification Process June 2021. Collection method: clinical testing. Allele origin: germline. Affected: yes.
Comment: Not observed at significant frequency in large population cohorts (gnomAD); In silico analysis supports that this missense variant has a deleterious effect on protein structure/function; Has not been previously published as pathogenic or benign to our knowledge